The following is an entry in ClinVar:

NM_001080449.3(DNA2):c.625G>A (p.Glu209Lys)

Gene: DNA2 (DNA replication helicase/nuclease 2; minus strand). Cytogenetic location: 10q21.3.
Variant type: single nucleotide variant.
Coding change: c.625G>A on transcript NM_001080449.3 (MANE Select); coding-DNA position 625, G replaced by A.
Protein change: p.Glu209Lys; replaces glutamic acid 209 with lysine.
Molecular consequence: missense variant. On other transcripts: non-coding transcript variant (1).
Genome position (GRCh38, 1-based): chr10:68,459,198, C>T on the plus strand (G>A on the coding strand, the complement: DNA2 is on the minus strand). VCF-style: chr10-68459198-C-T. GRCh37 (hg19) VCF-style: chr10-70218955-C-T.
Other names: short protein forms E209K.
Identifiers: ClinVar variation 4737201 (VCV004737201.1).

ClinVar aggregate classification (germline): Uncertain significance (1 of 4 stars; one submission).

Submission:

Labcorp Genetics (formerly Invitae), Labcorp
Classification: Uncertain significance. Last evaluated: 2025-10-26. Review status: criteria provided, single submitter. Criteria: Invitae Variant Classification Sherloc (09022015). Collection method: clinical testing. Allele origin: germline.
Comment: This sequence change replaces glutamic acid, which is acidic and polar, with lysine, which is basic and polar, at codon 209 of the DNA2 protein (p.Glu209Lys). This variant is not present in population databases (gnomAD no frequency). This variant has not been reported in the literature in individuals affected with DNA2-related conditions. Invitae Evidence Modeling of protein sequence and biophysical properties (such as structural, functional, and spatial information, amino acid conservation, physicochemical variation, residue mobility, and thermodynamic stability) indicates that this missense variant is not expected to disrupt DNA2 protein function with a negative predictive value of 80%. In summary, the available evidence is currently insufficient to determine the role of this variant in disease. Therefore, it has been classified as a Variant of Uncertain Significance.